The following is an entry in ClinVar:

ClinVar aggregate classification (germline): Uncertain significance (1 of 4 stars; one submission).

gnomAD v4.1: 39 of 1,612,126 alleles (0.0024%); highest among the groups gnomAD compares: Middle Eastern, 0.05%; no homozygotes.

Submission:

Labcorp Genetics (formerly Invitae), Labcorp
Classification: Uncertain significance. Last evaluated: 2025-08-18. Review status: criteria provided, single submitter. Criteria: Invitae Variant Classification Sherloc (09022015). Collection method: clinical testing. Allele origin: germline.
Comment: This sequence change replaces lysine, which is basic and polar, with glutamine, which is neutral and polar, at codon 568 of the YME1L1 protein (p.Lys568Gln). This variant is present in population databases (rs775827931, gnomAD 0.004%). This variant has not been reported in the literature in individuals affected with YME1L1-related conditions. ClinVar contains an entry for this variant (Variation ID: 3609889). An algorithm developed to predict the effect of missense changes on protein structure and function (PolyPhen-2) suggests that this variant is likely to be disruptive. In summary, the available evidence is currently insufficient to determine the role of this variant in disease. Therefore, it has been classified as a Variant of Uncertain Significance.

NM_014263.4(YME1L1):c.1531A>C (p.Lys511Gln)

Gene: YME1L1 (YME1 like 1 ATPase; minus strand). Cytogenetic location: 10p12.1.
Variant type: single nucleotide variant.
Coding change: c.1531A>C on transcript NM_014263.4 (MANE Select); coding-DNA position 1531, A replaced by C.
Protein change: p.Lys511Gln; replaces lysine 511 with glutamine.
Molecular consequence: missense variant.
Genome position (GRCh38, 1-based): chr10:27,119,330, T>G on the plus strand (A>C on the coding strand, the complement: YME1L1 is on the minus strand). VCF-style: chr10-27119330-T-G. GRCh37 (hg19) VCF-style: chr10-27408259-T-G.
Other names: c.1432A>C, p.Lys478Gln (NM_001253866.2); c.1702A>C, p.Lys568Gln (NM_139312.3); short protein forms K478Q, K511Q, K568Q.
Identifiers: ClinVar variation 3609889 (VCV003609889.2).